The following is an entry in ClinVar:

NM_000429.3(MAT1A):c.164C>A (p.Ala55Asp)

Gene: MAT1A (methionine adenosyltransferase 1A; minus strand). Cytogenetic location: 10q22.3.
Variant type: single nucleotide variant.
Coding change: c.164C>A on transcript NM_000429.3 (MANE Select); coding-DNA position 164, C replaced by A.
Protein change: p.Ala55Asp; replaces alanine 55 with aspartic acid.
Molecular consequence: missense variant.
Genome position (GRCh38, 1-based): chr10:80,285,517, G>T on the plus strand (C>A on the coding strand, the complement: MAT1A is on the minus strand). VCF-style: chr10-80285517-G-T. GRCh37 (hg19) VCF-style: chr10-82045273-G-T.
Other names: short protein forms A55D.
Identifiers: ClinVar variation 1203 (VCV000001203.7), dbSNP rs118204002, ClinGen allele CA114837.

ClinVar aggregate classification (germline): Uncertain significance. Review status: criteria provided, single submitter (1 of 4 stars). 2 submissions from 2 submitters: Uncertain significance (1). 1 of the submissions does not count toward it. Last evaluated 2025-02-20.

Conditions:
Hepatic methionine adenosyltransferase deficiency. Also called: MAT I/III DEFICIENCY; Methionine adenosyltransferase deficiency; Isolated Persistent Hypermethioninemia; Deficiency of methionine adenosyltransferase. Identifiers: Orphanet 168598, MedGen C0268621, MeSH C564683, MONDO:0009607, OMIM 250850.

Allele frequency attached by ClinVar (database versions not stated): gnomAD 0.00001; TOPMed 0.00002.
gnomAD v4.1: 12 of 1,613,738 alleles (0.00074%); highest among the groups gnomAD compares: Non-Finnish European, 0.001%; no homozygotes.

Submissions (2):

Labcorp Genetics (formerly Invitae), Labcorp
Classification: Uncertain significance for Hepatic methionine adenosyltransferase deficiency. Last evaluated: 2025-02-20. Review status: criteria provided, single submitter. Criteria: Invitae Variant Classification Sherloc (09022015). Collection method: clinical testing. Allele origin: germline.
Comment: This sequence change replaces alanine, which is neutral and non-polar, with aspartic acid, which is acidic and polar, at codon 55 of the MAT1A protein (p.Ala55Asp). This variant is present in population databases (rs118204002, gnomAD 0.002%). This missense change has been observed in individual(s) with autosomal recessive and dominant hypermethioninemia (PMID: 7560086, 24445979). ClinVar contains an entry for this variant (Variation ID: 1203). Invitae Evidence Modeling of protein sequence and biophysical properties (such as structural, functional, and spatial information, amino acid conservation, physicochemical variation, residue mobility, and thermodynamic stability) has been performed for this missense variant. However, the output from this modeling did not meet the statistical confidence thresholds required to predict the impact of this variant on MAT1A protein function. Experimental studies have shown that this missense change affects MAT1A function (PMID: 7560086, 23425511). In summary, the available evidence is currently insufficient to determine the role of this variant in disease. Therefore, it has been classified as a Variant of Uncertain Significance.

OMIM
Classification: Pathogenic for METHIONINE ADENOSYLTRANSFERASE I/III DEFICIENCY, AUTOSOMAL RECESSIVE. Last evaluated: 1995-10-01. Review status: no assertion criteria provided. Collection method: literature only. Allele origin: germline. Not counted in ClinVar's aggregate classification.

Literature cited by the submitters: PubMed 7560086 (cited by Labcorp Genetics (formerly Invitae), Labcorp and OMIM); PubMed 24445979 (cited by Labcorp Genetics (formerly Invitae), Labcorp); PubMed 23425511 (cited by Labcorp Genetics (formerly Invitae), Labcorp); PubMed 4421454 (cited by OMIM).